The following is an entry in ClinVar:

ClinVar aggregate classification (germline): Conflicting classifications of pathogenicity. Review status: criteria provided, conflicting classifications (1 of 4 stars). 3 submissions from 3 submitters: Uncertain significance (2); Likely benign (1). Last evaluated 2025-11-06.

Conditions:
Hereditary factor IX deficiency disease (HEMB). Also called: Hemophilia B; F9 DEFICIENCY; FACTOR IX DEFICIENCY; PLASMA THROMBOPLASTIN COMPONENT DEFICIENCY; Christmas Disease. Identifiers: Orphanet 98879, MedGen C0008533, MeSH D002836, MONDO:0010604, OMIM 306900.
Thrombophilia, X-linked, due to factor 9 defect. Identifiers: MedGen C2749016, MONDO:0010432, OMIM 300807.

Allele frequency attached by ClinVar (database versions not stated): gnomAD exomes 0.00002 and 0.00005; TOPMed 0.00002; gnomAD 0.00003; 1000 Genomes Project 0.00026; ExAC 0.00009; 1000 Genomes Project 30x 0.00021.
gnomAD v4.1: 28 of 1,210,442 alleles (0.0023%); highest among the groups gnomAD compares: East Asian, 0.08%; no homozygotes.

Submissions (3):

Women's Health and Genetics/Laboratory Corporation of America, LabCorp
Classification: Uncertain significance. Last evaluated: 2025-11-06. Review status: criteria provided, single submitter. Criteria: LabCorp Variant Classification Summary - May 2015. Collection method: clinical testing. Allele origin: germline.
Comment: Variant summary: F9 c.1048T>G (p.Ser350Ala) results in a conservative amino acid change in the encoded protein sequence. Algorithms developed to predict the effect of missense changes on protein structure and function all suggest that this variant is likely to be tolerated. The variant allele was found at a frequency of 2.3e-05 in 1210442 control chromosomes. This frequency is not significantly higher than estimated for disease-causing variants in F9, allowing no conclusion about variant significance. However, 10 hemizygous controls have been reported in gnomAD. c.1048T>G has been observed in at least 1 individual(s) affected with Factor IX Deficiency (Hemophilia B) (example, Park_2013). These report(s) do not provide unequivocal conclusions about association of the variant with Factor IX Deficiency (Hemophilia B). To our knowledge, no experimental evidence demonstrating an impact on protein function has been reported. The following publications have been ascertained in the context of this evaluation (PMID: 23492913, 25851415, 34173867, 34426522, 23617593, 37647632). ClinVar contains an entry for this variant (Variation ID: 1685803). Based on the evidence outlined above, the variant was classified as uncertain significance.

Labcorp Genetics (formerly Invitae), Labcorp
Classification: Likely benign for Thrombophilia, X-linked, due to factor 9 defect; Hereditary factor IX deficiency disease. Last evaluated: 2025-08-17. Review status: criteria provided, single submitter. Criteria: Invitae Variant Classification Sherloc (09022015). Collection method: clinical testing. Allele origin: germline.

Mendelics
Classification: Uncertain significance for Thrombophilia, X-linked, due to factor 9 defect. Last evaluated: 2023-06-19. Review status: criteria provided, single submitter. Criteria: Mendelics Assertion Criteria 2019. Collection method: clinical testing. Allele origin: germline.

Literature cited by the submitters: PubMed 34426522 (cited by Women's Health and Genetics/Laboratory Corporation of America, LabCorp); PubMed 23617593 (cited by Women's Health and Genetics/Laboratory Corporation of America, LabCorp); PubMed 37647632 (cited by Women's Health and Genetics/Laboratory Corporation of America, LabCorp); PubMed 25851415 (cited by Women's Health and Genetics/Laboratory Corporation of America, LabCorp); PubMed 34173867 (cited by Women's Health and Genetics/Laboratory Corporation of America, LabCorp); PubMed 23492913 (cited by Women's Health and Genetics/Laboratory Corporation of America, LabCorp).

NM_000133.4(F9):c.1048T>G (p.Ser350Ala)

Gene: F9 (coagulation factor IX; plus strand). Cytogenetic location: Xq27.1.
Variant type: single nucleotide variant.
Coding change: c.1048T>G on transcript NM_000133.4 (MANE Select); coding-DNA position 1048, T replaced by G.
Protein change: p.Ser350Ala; replaces serine 350 with alanine.
Molecular consequence: missense variant.
Genome position (GRCh38, 1-based): chrX:139,561,733, T>G. VCF-style: chrX-139561733-T-G. GRCh37 (hg19) VCF-style: chrX-138643892-T-G.
Other names: c.934T>G, p.Ser312Ala (NM_001313913.2); short protein forms S312A, S350A.
Identifiers: ClinVar variation 1685803 (VCV001685803.8), dbSNP rs147567879, ClinGen allele CA10529866.
Genomic context (GRCh38, chrX:139,561,733, plus strand): 5'-TACGTTACACCTATTTGCATTGCTGACAAGGAATACACGAACATCTTCCTCAAATTTGGA[T>G]CTGGCTATGTAAGTGGCTGGGGAAGAGTCTTCCACAAAGGGAGATCAGCTTTAGTTCTTC-3'
Protein context (NP_000124.1, residues 340-360): EYTNIFLKFG[Ser350Ala]GYVSGWGRVF